The following is an entry in ClinVar:

ClinVar aggregate classification (germline): Uncertain significance (1 of 4 stars; one submission).

Allele frequency attached by ClinVar (database versions not stated): ExAC 0.00001.

Submission:

Labcorp Genetics (formerly Invitae), Labcorp
Classification: Uncertain significance. Last evaluated: 2021-09-17. Review status: criteria provided, single submitter. Criteria: Invitae Variant Classification Sherloc (09022015). Collection method: clinical testing. Allele origin: germline.
Comment: This sequence change replaces valine with methionine at codon 68 of the RIN2 protein (p.Val68Met). The valine residue is weakly conserved and there is a small physicochemical difference between valine and methionine. This variant is present in population databases (rs766657277, ExAC 0.002%). This variant has not been reported in the literature in individuals affected with RIN2-related conditions. Algorithms developed to predict the effect of missense changes on protein structure and function output the following: SIFT: "Tolerated"; PolyPhen-2: "Not Available"; Align-GVGD: "Class C0". The methionine amino acid residue is found in multiple mammalian species, which suggests that this missense change does not adversely affect protein function. In summary, the available evidence is currently insufficient to determine the role of this variant in disease. Therefore, it has been classified as a Variant of Uncertain Significance.

NM_018993.4(RIN2):c.202G>A (p.Val68Met)

Gene: RIN2 (Ras and Rab interactor 2; plus strand). Cytogenetic location: 20p11.23.
Variant type: single nucleotide variant.
Coding change: c.202G>A on transcript NM_018993.4 (MANE Select); coding-DNA position 202, G replaced by A.
Protein change: p.Val68Met; replaces valine 68 with methionine.
Molecular consequence: missense variant. On other transcripts: 5 prime UTR variant (1).
Genome position (GRCh38, 1-based): chr20:19,956,658, G>A. VCF-style: chr20-19956658-G-A. GRCh37 (hg19) VCF-style: chr20-19937302-G-A.
Other names: c.349G>A, p.Val117Met (NM_001242581.2); c.-344G>A (NM_001378238.1); short protein forms V117M, V68M.
Identifiers: ClinVar variation 2179795 (VCV002179795.1), dbSNP rs766657277, ClinGen allele CA9779761.